The following is an entry in ClinVar:

ClinVar aggregate classification (germline): Likely benign. Review status: reviewed by expert panel (3 of 4 stars). 2 submissions from 2 submitters: Likely benign (1). 1 of the submissions does not count toward it. Last evaluated 2017-06-29.

Conditions:
Breast-ovarian cancer, familial, susceptibility to, 1 (BROVCA1). Also called: BRCA1 Hereditary Breast and Ovarian Cancer; OVARIAN CANCER, SUSCEPTIBILITY TO. Identifiers: Orphanet 145, MedGen C2676676, MONDO:0011450, OMIM 604370. Disease mechanism: loss of function.
Hereditary cancer-predisposing syndrome. Also called: Tumor predisposition; Hereditary Cancer Syndrome; Neoplastic Syndromes, Hereditary; Hereditary neoplastic syndrome. Identifiers: Orphanet 140162, MedGen C0027672, MeSH D009386, MONDO:0015356.

Submissions (2):

Evidence-based Network for the Interpretation of Germline Mutant Alleles (ENIGMA)
Classification: Likely benign for Breast-ovarian cancer, familial, susceptibility to, 1. Last evaluated: 2017-06-29. Review status: reviewed by expert panel. Criteria: ENIGMA BRCA1/2 Classification Criteria (2017-06-29). Collection method: curation. Allele origin: germline.
Comment: Synonymous substitution variant, with low bioinformatic likelihood to result in a splicing aberration (Splicing prior probability 0.02).

Ambry Genetics
Classification: Likely benign for Hereditary cancer-predisposing syndrome. Last evaluated: 2015-09-17. Review status: criteria provided, single submitter. Criteria: Ambry Variant Classification Scheme 2023. Collection method: clinical testing. Allele origin: germline. Not counted in ClinVar's aggregate classification.

NM_007294.4(BRCA1):c.2274G>A (p.Leu758=)

Gene: BRCA1 (BRCA1 DNA repair associated; minus strand). Cytogenetic location: 17q21.31.
Variant type: single nucleotide variant.
Coding change: c.2274G>A on transcript NM_007294.4 (MANE Select); coding-DNA position 2274, G replaced by A.
Protein change: p.Leu758=; no amino-acid change (leucine 758 retained).
Molecular consequence: synonymous variant. On other transcripts: intron variant (137).
Genome position (GRCh38, 1-based): chr17:43,093,257, C>T on the plus strand (G>A on the coding strand, the complement: BRCA1 is on the minus strand). VCF-style: chr17-43093257-C-T. GRCh37 (hg19) VCF-style: chr17-41245274-C-T.
Other names: c.2133G>A, p.Leu711= (NM_001407752.1, NM_001407850.1, NM_001407851.1 and 29 more transcripts); c.2130G>A, p.Leu710= (NM_001407838.1, NM_001407839.1, NM_001407841.1 and 20 more transcripts); c.2061G>A, p.Leu687= (NM_001407853.1, NM_001407894.1, NM_001407571.1 and 9 more transcripts); c.2274G>A, p.Leu758= (NM_001407854.1, NM_001407858.1, NM_001407859.1 and 30 more transcripts); c.2271G>A, p.Leu757= (NM_001407860.1, NM_001407861.1, NM_001407587.1 and 22 more transcripts); c.2073G>A, p.Leu691= (NM_001407862.1); c.2151G>A, p.Leu717= (NM_001407863.1, NM_001407919.1, NM_001407937.1 and 19 more transcripts); c.2070G>A, p.Leu690= (NM_001407874.1, NM_001407875.1); and 41 more.
Identifiers: ClinVar variation 234057 (VCV000234057.8), dbSNP rs876660823, ClinGen allele CA10580625.